The following is an entry in ClinVar:

NM_004415.4(DSP):c.3845C>T (p.Ser1282Phe)

Gene: DSP (desmoplakin; plus strand). Cytogenetic location: 6p24.3.
Variant type: single nucleotide variant.
Coding change: c.3845C>T on transcript NM_004415.4 (MANE Select); coding-DNA position 3845, C replaced by T.
Protein change: p.Ser1282Phe; replaces serine 1282 with phenylalanine.
Molecular consequence: missense variant. On other transcripts: intron variant (1).
Genome position (GRCh38, 1-based): chr6:7,580,035, C>T. VCF-style: chr6-7580035-C-T. GRCh37 (hg19) VCF-style: chr6-7580268-C-T.
Other names: c.3845C>T (LRG_423t1); c.3845C>T, p.Ser1282Phe (NM_001319034.2); c.3582+263C>T (NM_001008844.3); short protein forms S1282F.
Identifiers: ClinVar variation 405225 (VCV000405225.12), dbSNP rs778780656, ClinGen allele CA16612202.

ClinVar aggregate classification (germline): Uncertain significance. Review status: criteria provided, multiple submitters, no conflicts (2 of 4 stars). 2 submissions from 2 submitters: Uncertain significance (2). Last evaluated 2025-03-26.

Conditions:
Cardiovascular phenotype. Identifiers: MedGen CN230736.
Arrhythmogenic cardiomyopathy with wooly hair and keratoderma. Also called: PALMOPLANTAR KERATODERMA WITH LEFT VENTRICULAR CARDIOMYOPATHY AND WOOLLY HAIR; Carvajal syndrome; Dilated cardiomyopathy with woolly hair and keratoderma; Arrhythmogenic cardiomyopathy with woolly hair and keratoderma. Identifiers: Orphanet 65282, MedGen C1854063, MONDO:0011581, OMIM 605676.
Arrhythmogenic right ventricular dysplasia 8 (ARVD8). Also called: Arrhythmogenic Right Ventricular Dysplasia/Cardiomyopathy 8; ARRHYTHMOGENIC RIGHT VENTRICULAR DYSPLASIA, FAMILIAL, 8; ARRHYTHMOGENIC RIGHT VENTRICULAR CARDIOMYOPATHY 8. Identifiers: MedGen C1843896, MONDO:0011831, OMIM 607450.

Allele frequency attached by ClinVar (database versions not stated): TOPMed below 0.00001.

Submissions (2):

Labcorp Genetics (formerly Invitae), Labcorp
Classification: Uncertain significance for Arrhythmogenic cardiomyopathy with wooly hair and keratoderma; Arrhythmogenic right ventricular dysplasia 8. Last evaluated: 2025-03-26. Review status: criteria provided, single submitter. Criteria: Invitae Variant Classification Sherloc (09022015). Collection method: clinical testing. Allele origin: germline.
Comment: This sequence change replaces serine, which is neutral and polar, with phenylalanine, which is neutral and non-polar, at codon 1282 of the DSP protein (p.Ser1282Phe). This variant is not present in population databases (gnomAD no frequency). This variant has not been reported in the literature in individuals affected with DSP-related conditions. ClinVar contains an entry for this variant (Variation ID: 405225). An algorithm developed to predict the effect of missense changes on protein structure and function (PolyPhen-2) suggests that this variant is likely to be disruptive. In summary, the available evidence is currently insufficient to determine the role of this variant in disease. Therefore, it has been classified as a Variant of Uncertain Significance.

Ambry Genetics
Classification: Uncertain significance for Cardiovascular phenotype. Last evaluated: 2025-03-05. Review status: criteria provided, single submitter. Criteria: Ambry Variant Classification Scheme 2023. Collection method: clinical testing. Allele origin: germline.
Comment: The p.S1282F variant (also known as c.3845C>T), located in coding exon 23 of the DSP gene, results from a C to T substitution at nucleotide position 3845. The serine at codon 1282 is replaced by phenylalanine, an amino acid with highly dissimilar properties. This amino acid position is well conserved in available vertebrate species. In addition, the in silico prediction for this alteration is inconclusive. Based on the available evidence, the clinical significance of this variant remains unclear.